The following is an entry in ClinVar:

ClinVar aggregate classification (germline): Uncertain significance. Review status: criteria provided, multiple submitters, no conflicts (2 of 4 stars). 2 submissions from 2 submitters: Uncertain significance (2). Last evaluated 2018-09-21.

Conditions:
Cardiovascular phenotype. Identifiers: MedGen CN230736.

Allele frequency attached by ClinVar (database versions not stated): gnomAD exomes below 0.00001; ExAC 0.00001; TOPMed 0.00001.
gnomAD v4.1: 2 of 1,614,104 alleles (0.00012%); highest among the groups gnomAD compares: African/African-American, 0.0013%; no homozygotes.

Submissions (2):

Ambry Genetics
Classification: Uncertain significance for Cardiovascular phenotype. Last evaluated: 2018-09-21. Review status: criteria provided, single submitter. Criteria: Ambry Variant Classification Scheme 2023. Collection method: clinical testing. Allele origin: germline.
Comment: The p.Y1964C variant (also known as c.5891A>G), located in coding exon 26 of the TTN gene, results from an A to G substitution at nucleotide position 5891. The tyrosine at codon 1964 is replaced by cysteine, an amino acid with highly dissimilar properties. This amino acid position is highly conserved in available vertebrate species. In addition, the in silico prediction for this alteration is inconclusive. Since supporting evidence is limited at this time, the clinical significance of this alteration remains unclear.

Laboratory for Molecular Medicine, Mass General Brigham Personalized Medicine
Classification: Uncertain significance. Last evaluated: 2012-08-14. Review status: criteria provided, single submitter. Criteria: LMM Criteria. Collection method: clinical testing. Allele origin: germline. Observed: 1 variant allele.
Comment: The Tyr2010Cys variant in TTN has not been reported in the literature nor previo usly identified by our laboratory. Computational analyses (biochemical amino aci d properties, conservation, AlignGVGD, PolyPhen2, and SIFT) do not provide stron g support for or against an impact to the protein. Additional information is nee ded to fully assess the clinical significance of the Tyr2010Cys variant.

NM_001267550.2(TTN):c.6029A>G (p.Tyr2010Cys)

Gene: TTN (titin; minus strand). Cytogenetic location: 2q31.2.
Variant type: single nucleotide variant.
Coding change: c.6029A>G on transcript NM_001267550.2 (MANE Select); coding-DNA position 6029, A replaced by G.
Protein change: p.Tyr2010Cys; replaces tyrosine 2010 with cysteine.
Molecular consequence: missense variant.
Genome position (GRCh38, 1-based): chr2:178,775,835, T>C on the plus strand (A>G on the coding strand, the complement: TTN is on the minus strand). VCF-style: chr2-178775835-T-C. GRCh37 (hg19) VCF-style: chr2-179640562-T-C.
Other names: c.6029A>G, p.Tyr2010Cys (NM_133378.4, NM_001256850.1, NM_133379.5); c.5891A>G, p.Tyr1964Cys (NM_003319.4, NM_133432.3, NM_133437.4); short protein forms Y2010C, Y1964C.
Identifiers: ClinVar variation 47259 (VCV000047259.7), dbSNP rs397517672, ClinGen allele CA140488.